The following is an entry in ClinVar:

ClinVar aggregate classification (germline): Pathogenic/Likely pathogenic. Review status: criteria provided, multiple submitters, no conflicts (2 of 4 stars). 12 submissions from 12 submitters: Pathogenic (5); Likely pathogenic (5). 2 of the submissions do not count toward it. Last evaluated 2026-08-11.

Conditions:
PIEZO1-related disorder. Also called: PIEZO1-related condition; PIEZO1-Related Disorders.
ER BLOOD GROUP SYSTEM, ER(a-b-).
Lymphatic malformation 6 (LMPHM6). Also called: PIEZO1-related generalized lymphatic dysplasia with non-immune hydrops fetalis; GENERALIZED LYMPHATIC DYSPLASIA OF FOTIOU; Lymphedema, hereditary, III. Identifiers: Orphanet 568062, MedGen C4225184, MONDO:0014797, OMIM 616843.
Dehydrated hereditary stomatocytosis with or without pseudohyperkalemia and/or perinatal edema (DHS1). Also called: PSEUDOHYPERKALEMIA EDINBURGH; DEHYDRATED HEREDITARY STOMATOCYTOSIS AND PSEUDOHYPERKALEMIA; DEHYDRATED HEREDITARY STOMATOCYTOSIS WITH PSEUDOHYPERKALEMIA AND PERINATAL EDEMA; Pseudohyperkalemia, familial, 1, due to red cell leak; Dehydrated hereditary stomatocytosis 1 with or without pseudohyperkalemia and/or perinatal edema. Identifiers: Orphanet 3202, MedGen C4551512, MONDO:0008689, OMIM 194380.

Allele frequency attached by ClinVar (database versions not stated): 1000 Genomes Project 30x 0.00031.
gnomAD v4.1: 94 of 1,550,090 alleles (0.0061%); highest among the groups gnomAD compares: East Asian, 0.0073%; no homozygotes.

Submissions (12):

GeneDx
Classification: Pathogenic. Last evaluated: 2026-08-11. Review status: criteria provided, single submitter. Criteria: GeneDx Variant Classification Process June 2021. Collection method: clinical testing. Allele origin: germline.
Comment: Nonsense variant predicted to result in protein truncation or nonsense mediated decay in a gene for which loss of function is a known mechanism of disease; Identified as a heterozygous variant in two siblings with hydrops fetalis; a second PIEZO1 was not reported (PMID: 38676400); Reported in an individual with a particular red blood cell antigen described as Er(a-b-) red blood cell phenotype who also possessed a PIEZO1 missense variant (PMID: 36122374); This variant is associated with the following publications: (PMID: 26780541, 34358671, 39051122, 40628291, 38676400, 36122374)

First Genomix Gene Laboratory, Genetic Diagnostics Department
Classification: Likely pathogenic for Lymphatic malformation 6. Last evaluated: 2026-01-02. Review status: criteria provided, single submitter. Criteria: ACMG Guidelines, 2015. Collection method: clinical testing. Allele origin: germline. Inheritance: Autosomal recessive inheritance. Affected: yes. Observed: 1 variant allele, 1 homozygote.

Women's Health and Genetics/Laboratory Corporation of America, LabCorp
Classification: Pathogenic for Lymphatic malformation 6. Last evaluated: 2024-12-31. Review status: criteria provided, single submitter. Criteria: LabCorp Variant Classification Summary - May 2015. Collection method: clinical testing. Allele origin: germline.
Comment: Variant summary: PIEZO1 c.5289C>G (p.Tyr1763X) results in a premature termination codon, predicted to cause a truncation of the encoded protein or absence of the protein due to nonsense mediated decay, which are commonly known mechanisms for disease. The variant allele was found at a frequency of 6.5e-05 in 154088 control chromosomes. This frequency is not significantly higher than estimated for a pathogenic variant in PIEZO1 causing Lymphedema, Hereditary, III, allowing no conclusion about variant significance. c.5289C>G has been reported in the literature in an individual affected with colorectal adenomatous polyposis (Spier_2016) and as heterozygous genotype in 4 individuals affected with varicose veins (Smelser_2022). To our knowledge, no experimental evidence demonstrating an impact on protein function has been reported. The following publications have been ascertained in the context of this evaluation (PMID: 34358671, 26780541). ClinVar contains an entry for this variant (Variation ID: 1163992). Based on the evidence outlined above, the variant was classified as pathogenic.

Genomic Medicine Center of Excellence, King Faisal Specialist Hospital and Research Centre
Classification: Pathogenic for Dehydrated hereditary stomatocytosis with or without pseudohyperkalemia and/or perinatal edema. Last evaluated: 2024-12-19. Review status: criteria provided, single submitter. Criteria: ACMG Guidelines, 2015. Collection method: clinical testing. Allele origin: germline.

Revvity Omics, Revvity
Classification: Likely pathogenic. Last evaluated: 2024-11-22. Review status: criteria provided, single submitter. Criteria: ACMG Guidelines, 2015. Collection method: clinical testing. Allele origin: germline.

Dasa
Classification: Pathogenic. Last evaluated: 2024-09-10. Review status: criteria provided, single submitter. Criteria: DASA Assertion Criteria. Collection method: clinical testing. Allele origin: germline.
Comment: NM_001142864.4(PIEZO1):c.5289C>G (p.Tyr1763*) introduces a premature termination codon predicted to result in loss of normal protein function. Loss-of-function is an established mechanism of disease for this gene. The variant is present at low frequency in population datasets. Based on the available data, this variant is classified as pathogenic.

Labcorp Genetics (formerly Invitae), Labcorp
Classification: Pathogenic. Last evaluated: 2021-07-01. Review status: criteria provided, single submitter. Criteria: Invitae Variant Classification Sherloc (09022015). Collection method: clinical testing. Allele origin: germline.
Comment: This sequence change creates a premature translational stop signal (p.Tyr1763*) in the PIEZO1 gene. It is expected to result in an absent or disrupted protein product. Loss-of-function variants in PIEZO1 are known to be pathogenic (PMID: 26333996). This variant is not present in population databases (ExAC no frequency). This premature translational stop signal has been observed in individual(s) with colorectal adenomatous polyposis (PMID: 26780541). ClinVar contains an entry for this variant (Variation ID: 1163992). Algorithms developed to predict the effect of sequence changes on RNA splicing suggest that this variant may create or strengthen a splice site. For these reasons, this variant has been classified as Pathogenic.

Baylor Genetics
Classification: Likely pathogenic for Lymphatic malformation 6. Last evaluated: 2021-05-31. Review status: criteria provided, single submitter. Criteria: ACMG Guidelines, 2015. Collection method: clinical testing. Allele origin: unknown.

Mayo Clinic Laboratories, Mayo Clinic
Classification: Likely pathogenic. Last evaluated: 2020-07-21. Review status: criteria provided, single submitter. Criteria: ACMG Guidelines, 2015. Collection method: clinical testing. Allele origin: germline. Observed: 2 variant alleles.
Comment: PVS1, PM2

Neuberg Centre For Genomic Medicine, NCGM
Classification: Likely pathogenic for Lymphatic malformation 6. Review status: criteria provided, single submitter. Criteria: ACMG Guidelines, 2015. Collection method: clinical testing. Allele origin: germline. Inheritance: Autosomal recessive inheritance. Affected: yes.
Comment: The stop gained p.Y1763* in PIEZO1 (NM_001142864.4) has not been reported previously as a pathogenic variant nor as a benign variant, to our knowledge. The variant is novel (not in any individuals) in 1000 Genomes. This variant is predicted to cause loss of normal protein function through protein truncation. The p.Y1763* variant is a loss of function variant in the gene PIEZO1, which is intolerant of Loss of Function variants. The variant has been submitted to ClinVar as Likely Pathogenic. The variant was identified in heterozygous state in one individual in a study where exome sequencing was performed to identify novel variants in unexplained adenomatous polyposis (Spier et al, 2016). For these reasons, this variant has been classified as Likely Pathogenic.

PreventionGenetics, part of Exact Sciences
Classification: Likely pathogenic for PIEZO1-related condition. Last evaluated: 2024-05-23. Review status: no assertion criteria provided. Collection method: clinical testing. Allele origin: germline. Not counted in ClinVar's aggregate classification.
Comment: The PIEZO1 c.5289C>G variant is predicted to result in premature protein termination (p.Tyr1763*). This variant has been reported in an individual with adenomatous polyposis (Spier et al. 2016. PubMed ID: 26780541). This variant has also been reported in an individual with an Er(a-b-) red cell antigen (Karamatic et al. 2023. PubMed ID: 36122374). Of note, loss of function variants upstream and downstream of this variant have been reported as causative for non-immune hydrops fetalis (Fotiou et al. 2015. PubMed ID: 26333996; Vora et al. 2017. PubMed ID: 28518170; Shamseldin et al. 2018. PubMed ID: 28749478). This variant is reported in 0.024% of alleles in individuals of East Asian descent in gnomAD. In summary, this variant is interpreted as likely pathogenic.

OMIM
Classification: Pathogenic for ER BLOOD GROUP SYSTEM, ER(a-b-). Last evaluated: 2023-01-26. Review status: no assertion criteria provided. Collection method: literature only. Allele origin: germline. Not counted in ClinVar's aggregate classification.

Literature cited by the submitters: PubMed 26780541 (cited by 3 submitters); PubMed 34358671 (cited by Women's Health and Genetics/Laboratory Corporation of America, LabCorp); PubMed 26333996 (cited by Labcorp Genetics (formerly Invitae), Labcorp); PubMed 36122374 (cited by OMIM).

NM_001142864.4(PIEZO1):c.5289C>G (p.Tyr1763Ter)

Gene: PIEZO1 (piezo type mechanosensitive ion channel component 1 (Er blood group); minus strand). Cytogenetic location: 16q24.3.
Variant type: single nucleotide variant.
Coding change: c.5289C>G on transcript NM_001142864.4 (MANE Select); coding-DNA position 5289, C replaced by G.
Protein change: p.Tyr1763Ter; replaces tyrosine 1763 with a stop codon.
Molecular consequence: nonsense.
Genome position (GRCh38, 1-based): chr16:88,721,652, G>C on the plus strand (C>G on the coding strand, the complement: PIEZO1 is on the minus strand). VCF-style: chr16-88721652-G-C. GRCh37 (hg19) VCF-style: chr16-88788060-G-C.
Other names: PIEZO1, TYR1763TER (rs72811487); c.5289C>G (NM_001142864.3); short protein forms Y1763*.
Identifiers: ClinVar variation 1163992 (VCV001163992.20), dbSNP rs72811487, ClinGen allele CA286409601.